The following is an entry in ClinVar:

ClinVar aggregate classification (germline): Pathogenic (1 of 4 stars; one submission).

Conditions:
Autosomal recessive severe congenital neutropenia due to G6PC3 deficiency. Also called: NEUTROPENIA, SEVERE CONGENITAL, 4, AUTOSOMAL RECESSIVE; G6PC3 Deficiency. Identifiers: Orphanet 331176, MedGen C2751630, MONDO:0012930, OMIM 612541.

Allele frequency attached by ClinVar (database versions not stated): gnomAD exomes below 0.00001.
gnomAD v4.1: 1 of 1,587,026 alleles (0.000063%); highest among the groups gnomAD compares: Middle Eastern, 0.017%; no homozygotes.

Submission:

Labcorp Genetics (formerly Invitae), Labcorp
Classification: Pathogenic for Autosomal recessive severe congenital neutropenia due to G6PC3 deficiency. Last evaluated: 2023-04-22. Review status: criteria provided, single submitter. Criteria: Invitae Variant Classification Sherloc (09022015). Collection method: clinical testing. Allele origin: germline.
Comment: This variant is not present in population databases (gnomAD no frequency). For these reasons, this variant has been classified as Pathogenic. This variant has not been reported in the literature in individuals affected with G6PC3-related conditions. This sequence change creates a premature translational stop signal (p.Trp21*) in the G6PC3 gene. It is expected to result in an absent or disrupted protein product. Loss-of-function variants in G6PC3 are known to be pathogenic (PMID: 19118303, 25491320).

Literature cited by the submitters: PubMed 19118303; PubMed 25491320.

NM_138387.4(G6PC3):c.62G>A (p.Trp21Ter)

Genes: G6PC3 (glucose-6-phosphatase catalytic subunit 3; plus strand), LOC130060959 (ATAC-STARR-seq lymphoblastoid active region 12250; plus strand). Cytogenetic location: 17q21.31.
Variant type: single nucleotide variant.
Coding change: c.62G>A on transcript NM_138387.4 (MANE Select); coding-DNA position 62, G replaced by A.
Protein change: p.Trp21Ter; replaces tryptophan 21 with a stop codon.
Molecular consequence: nonsense. On other transcripts: 5 prime UTR variant (3), intron variant (1).
Genome position (GRCh38, 1-based): chr17:44,071,027, G>A. VCF-style: chr17-44071027-G-A. GRCh37 (hg19) VCF-style: chr17-42148395-G-A.
Other names: c.62G>A, p.Trp21Ter (NM_001319945.2); c.-343G>A (NM_001384165.1); c.-478G>A (NM_001384166.1); c.-468G>A (NM_001384167.1); c.-312+313G>A (NM_001384168.1); short protein forms W21*.
Identifiers: ClinVar variation 2858133 (VCV002858133.3), dbSNP rs2509357398, ClinGen allele CA399745747.